The following is an entry in ClinVar:

ClinVar aggregate classification (germline): Conflicting classifications of pathogenicity. Review status: criteria provided, conflicting classifications (1 of 4 stars). 4 submissions from 4 submitters: Uncertain significance (1); Benign (1). 2 of the submissions do not count toward it. Last evaluated 2026-02-03.

Conditions:
Corneal dystrophy. Identifiers: Orphanet 34533, MedGen C0010036, MONDO:0018102, HP:0001131.
Corneal dystrophy-perceptive deafness syndrome (CDPD). Also called: CORNEAL DYSTROPHY AND SENSORINEURAL DEAFNESS; HARBOYAN SYNDROME. Identifiers: Orphanet 1490, MedGen C1857572, MONDO:0009015, OMIM 217400.
SLC4A11-related disorder. Also called: SLC4A11-related condition.

Allele frequency attached by ClinVar (database versions not stated): gnomAD exomes 0.00043 and 0.00111; ExAC 0.00130; ESP Exome Variant Server 0.00400; gnomAD 0.00427 and 0.00466; TOPMed 0.00470; 1000 Genomes Project 0.00519; 1000 Genomes Project 30x 0.00593.
gnomAD v4.1: 1,295 of 1,613,972 alleles (0.08%); highest among the groups gnomAD compares: African/African-American, 1.5%; 13 homozygotes.

Submissions (4):

Labcorp Genetics (formerly Invitae), Labcorp
Classification: Benign. Last evaluated: 2026-02-03. Review status: criteria provided, single submitter. Criteria: Invitae Variant Classification Sherloc (09022015). Collection method: clinical testing. Allele origin: germline.

Illumina Laboratory Services, Illumina
Classification: Uncertain significance for Corneal dystrophy. Last evaluated: 2017-04-27. Review status: criteria provided, single submitter. Criteria: ICSL Variant Classification Criteria 13 December 2019. Collection method: clinical testing. Allele origin: germline.
Comment: This variant was observed as part of a predisposition screen in an ostensibly healthy population. A literature search was performed for the gene, cDNA change, and amino acid change (where applicable). Publications were found based on this search. However, the evidence from the literature, in combination with allele frequency data from public databases where available, was not sufficient to rule this variant in or out of causing disease. Therefore, this variant is classified as a variant of unknown significance.

PreventionGenetics, part of Exact Sciences
Classification: Benign for SLC4A11-related condition. Last evaluated: 2024-03-12. Review status: no assertion criteria provided. Collection method: clinical testing. Allele origin: germline. Not counted in ClinVar's aggregate classification.
Comment: This variant is classified as benign based on ACMG/AMP sequence variant interpretation guidelines (Richards et al. 2015 PMID: 25741868, with internal and published modifications).

Natera, Inc.
Classification: Benign for Harboyan syndrome. Last evaluated: 2020-09-16. Review status: no assertion criteria provided. Collection method: clinical testing. Allele origin: germline. Not counted in ClinVar's aggregate classification.

Literature cited by the submitters: PubMed 24348007 (cited by Illumina Laboratory Services, Illumina).

NM_001174089.2(SLC4A11):c.426C>T (p.Arg142=)

Gene: SLC4A11 (solute carrier family 4 member 11; minus strand). Cytogenetic location: 20p13.
Variant type: single nucleotide variant.
Coding change: c.426C>T on transcript NM_001174089.2 (MANE Select); coding-DNA position 426, C replaced by T.
Protein change: p.Arg142=; no amino-acid change (arginine 142 retained).
Molecular consequence: synonymous variant. On other transcripts: non-coding transcript variant (1).
Genome position (GRCh38, 1-based): chr20:3,234,180, G>A on the plus strand (C>T on the coding strand, the complement: SLC4A11 is on the minus strand). VCF-style: chr20-3234180-G-A. GRCh37 (hg19) VCF-style: chr20-3214826-G-A.
Other names: c.555C>T, p.Arg185= (NM_001174090.2); c.426C>T, p.Arg142= (NM_001363745.2); c.474C>T, p.Arg158= (NM_032034.4).
Identifiers: ClinVar variation 786674 (VCV000786674.16), dbSNP rs35262978, ClinGen allele CA9742294.